The following is an entry in ClinVar:

NM_001042432.2(CLN3):c.439T>G (p.Ser147Ala)

Gene: CLN3 (CLN3 lysosomal/endosomal transmembrane protein, battenin; minus strand). Cytogenetic location: 16p12.1.
Variant type: single nucleotide variant.
Coding change: c.439T>G on transcript NM_001042432.2 (MANE Select); coding-DNA position 439, T replaced by G.
Protein change: p.Ser147Ala; replaces serine 147 with alanine.
Molecular consequence: missense variant.
Genome position (GRCh38, 1-based): chr16:28,487,477, A>C on the plus strand (T>G on the coding strand, the complement: CLN3 is on the minus strand). VCF-style: chr16-28487477-A-C. GRCh37 (hg19) VCF-style: chr16-28498798-A-C.
Other names: c.439T>G, p.Ser147Ala (NM_000086.2); c.367T>G, p.Ser123Ala (NM_001286104.2); c.139T>G, p.Ser47Ala (NM_001286105.2); c.205T>G, p.Ser69Ala (NM_001286109.2); c.277T>G, p.Ser93Ala (NM_001286110.2); short protein forms S123A, S47A, S69A, S93A, S147A.
Identifiers: ClinVar variation 1448728 (VCV001448728.8), dbSNP rs2141714357, ClinGen allele CA395345822.

ClinVar aggregate classification (germline): Uncertain significance (1 of 4 stars; one submission).

Conditions:
Neuronal ceroid lipofuscinosis. Also called: Neuronal Ceroid Lipofuscinoses. Identifiers: Orphanet 216, Orphanet 79263, MedGen C0027877, MONDO:0016295. Disease mechanism: loss of function.

Submission:

Labcorp Genetics (formerly Invitae), Labcorp
Classification: Uncertain significance for Neuronal ceroid lipofuscinosis. Last evaluated: 2024-09-16. Review status: criteria provided, single submitter. Criteria: Invitae Variant Classification Sherloc (09022015). Collection method: clinical testing. Allele origin: germline.
Comment: This sequence change replaces serine, which is neutral and polar, with alanine, which is neutral and non-polar, at codon 147 of the CLN3 protein (p.Ser147Ala). This variant is not present in population databases (gnomAD no frequency). This variant has not been reported in the literature in individuals affected with CLN3-related conditions. ClinVar contains an entry for this variant (Variation ID: 1448728). Invitae Evidence Modeling of protein sequence and biophysical properties (such as structural, functional, and spatial information, amino acid conservation, physicochemical variation, residue mobility, and thermodynamic stability) indicates that this missense variant is not expected to disrupt CLN3 protein function with a negative predictive value of 80%. In summary, the available evidence is currently insufficient to determine the role of this variant in disease. Therefore, it has been classified as a Variant of Uncertain Significance.